The following is an entry in ClinVar:

ClinVar aggregate classification (germline): Uncertain significance. Review status: criteria provided, multiple submitters, no conflicts (2 of 4 stars). 2 submissions from 2 submitters: Uncertain significance (2). Last evaluated 2021-11-30.

Conditions:
Mitochondrial DNA depletion syndrome 13. Also called: FBXL4-Related Encephalomyopathic Mitochondrial DNA Depletion Syndrome; Mitochondrial DNA depletion syndrome 13 (encephalomyopathic type). Identifiers: Orphanet 369897, MedGen C3809592, MONDO:0014198, OMIM 615471.

Allele frequency attached by ClinVar (database versions not stated): gnomAD exomes below 0.00001; ExAC 0.00001; gnomAD 0.00001; TOPMed 0.00002; ESP Exome Variant Server 0.00008.
gnomAD v4.1: 2 of 1,614,078 alleles (0.00012%); highest among the groups gnomAD compares: African/African-American, 0.0027%; no homozygotes.

Submissions (2):

Labcorp Genetics (formerly Invitae), Labcorp
Classification: Uncertain significance. Last evaluated: 2021-11-30. Review status: criteria provided, single submitter. Criteria: Invitae Variant Classification Sherloc (09022015). Collection method: clinical testing. Allele origin: germline.
Comment: This sequence change replaces glutamine, which is neutral and polar, with arginine, which is basic and polar, at codon 124 of the FBXL4 protein (p.Gln124Arg). In summary, the available evidence is currently insufficient to determine the role of this variant in disease. Therefore, it has been classified as a Variant of Uncertain Significance. Advanced modeling of protein sequence and biophysical properties (such as structural, functional, and spatial information, amino acid conservation, physicochemical variation, residue mobility, and thermodynamic stability) performed at Invitae indicates that this missense variant is expected to disrupt FBXL4 protein function. ClinVar contains an entry for this variant (Variation ID: 437566). This variant has not been reported in the literature in individuals affected with FBXL4-related conditions. This variant is present in population databases (rs370408625, gnomAD 0.007%).

Wong Mito Lab, Molecular and Human Genetics, Baylor College of Medicine
Classification: Uncertain significance for Mitochondrial DNA depletion syndrome 13. Last evaluated: 2017-08-10. Review status: criteria provided, single submitter. Criteria: ACMG Guidelines, 2015. Collection method: reference population. Allele origin: germline.
Comment: The NM_012160.4:c.371A>G (NP_036292.2:p.Gln124Arg) [GRCH38: NC_000006.12:g.98926618T>C] variant in FBXL4 gene is interpretated to be a Uncertain Significance - Conflicting Evidence based on ACMG guidelines (PMID: 25741868). This variant meets one or more of the following evidence codes reported in the ACMG-guideline. PM2:This variant is absent in key population databases. BP4:Computational evidence/predictors indicate no impact on the FBXL4 structure, function, or protein-protein interaction. Based on this evidence code ClinGen Pathogenicity Calculator (PMID:28081714) suggested that the variant is Uncertain Significance - Conflicting Evidence.

NM_001278716.2(FBXL4):c.371A>G (p.Gln124Arg)

Gene: FBXL4 (F-box and leucine rich repeat protein 4; minus strand). Cytogenetic location: 6q16.2.
Variant type: single nucleotide variant.
Coding change: c.371A>G on transcript NM_001278716.2 (MANE Select); coding-DNA position 371, A replaced by G.
Protein change: p.Gln124Arg; replaces glutamine 124 with arginine.
Molecular consequence: missense variant. On other transcripts: non-coding transcript variant (2).
Genome position (GRCh38, 1-based): chr6:98,926,618, T>C on the plus strand (A>G on the coding strand, the complement: FBXL4 is on the minus strand). VCF-style: chr6-98926618-T-C. GRCh37 (hg19) VCF-style: chr6-99374494-T-C.
Other names: c.371A>G, p.Gln124Arg (NM_012160.5); short protein forms Q124R.
Identifiers: ClinVar variation 437566 (VCV000437566.3), dbSNP rs370408625, ClinGen allele CA3933701.